The following is an entry in ClinVar:

ClinVar aggregate classification (germline): Uncertain significance (1 of 4 stars; one submission).

Submission:

Labcorp Genetics (formerly Invitae), Labcorp
Classification: Uncertain significance. Last evaluated: 2024-02-24. Review status: criteria provided, single submitter. Criteria: Invitae Variant Classification Sherloc (09022015). Collection method: clinical testing. Allele origin: germline.
Comment: This sequence change replaces glycine, which is neutral and non-polar, with arginine, which is basic and polar, at codon 163 of the PAX1 protein (p.Gly163Arg). This variant is not present in population databases (gnomAD no frequency). This variant has not been reported in the literature in individuals affected with PAX1-related conditions. ClinVar contains an entry for this variant (Variation ID: 1906341). Advanced modeling of protein sequence and biophysical properties (such as structural, functional, and spatial information, amino acid conservation, physicochemical variation, residue mobility, and thermodynamic stability) performed at Invitae indicates that this missense variant is not expected to disrupt PAX1 protein function with a negative predictive value of 80%. In summary, the available evidence is currently insufficient to determine the role of this variant in disease. Therefore, it has been classified as a Variant of Uncertain Significance.

NM_001257096.2(PAX1):c.487G>A (p.Gly163Arg)

Gene: PAX1 (paired box 1; plus strand). Cytogenetic location: 20p11.22.
Variant type: single nucleotide variant.
Coding change: c.487G>A on transcript NM_001257096.2 (MANE Select); coding-DNA position 487, G replaced by A.
Protein change: p.Gly163Arg; replaces glycine 163 with arginine.
Molecular consequence: missense variant.
Genome position (GRCh38, 1-based): chr20:21,706,638, G>A. VCF-style: chr20-21706638-G-A. GRCh37 (hg19) VCF-style: chr20-21687276-G-A.
Other names: c.487G>A, p.Gly163Arg (NM_006192.5); short protein forms G163R.
Identifiers: ClinVar variation 1906341 (VCV001906341.5), dbSNP rs1418673542, ClinGen allele CA408498077.